The following is an entry in ClinVar:

ClinVar aggregate classification (germline): Benign/Likely benign. Review status: criteria provided, multiple submitters, no conflicts (2 of 4 stars). 4 submissions from 4 submitters: Benign (1); Likely benign (3). Last evaluated 2025-07-15.

Conditions:
Hereditary cancer-predisposing syndrome. Also called: Neoplastic Syndromes, Hereditary; Tumor predisposition; Hereditary Cancer Syndrome; Hereditary neoplastic syndrome. Identifiers: Orphanet 140162, MedGen C0027672, MeSH D009386, MONDO:0015356.
Familial cancer of breast. Also called: BREAST CANCER, FAMILIAL; Hereditary breast cancer; hereditary breast carcinoma. Identifiers: Orphanet 227535, MedGen C0346153, MONDO:0016419, OMIM 114480. Disease mechanism: loss of function.

Submissions (4):

Quest Diagnostics Nichols Institute San Juan Capistrano
Classification: Likely benign. Last evaluated: 2025-07-15. Review status: criteria provided, single submitter. Criteria: Quest Diagnostics criteria. Collection method: clinical testing. Allele origin: unknown.

Labcorp Genetics (formerly Invitae), Labcorp
Classification: Likely benign for Familial cancer of breast. Last evaluated: 2024-08-28. Review status: criteria provided, single submitter. Criteria: Invitae Variant Classification Sherloc (09022015). Collection method: clinical testing. Allele origin: germline.

Myriad Genetics, Inc.
Classification: Benign for Familial cancer of breast. Last evaluated: 2024-07-30. Review status: criteria provided, single submitter. Criteria: Myriad Autosomal Dominant, Autosomal Recessive and X-Linked Classification Criteria (2023). Collection method: clinical testing. Allele origin: unknown.
Comment: This variant is considered benign. This variant is a silent/synonymous amino acid change and it is not expected to impact splicing.

Ambry Genetics
Classification: Likely benign for Hereditary cancer-predisposing syndrome. Last evaluated: 2022-02-06. Review status: criteria provided, single submitter. Criteria: Ambry Variant Classification Scheme 2023. Collection method: clinical testing. Allele origin: germline.

NM_000465.4(BARD1):c.2178C>A (p.Pro726=)

Gene: BARD1 (BRCA1 associated RING domain 1; minus strand). Cytogenetic location: 2q35.
Variant type: single nucleotide variant.
Coding change: c.2178C>A on transcript NM_000465.4 (MANE Select); coding-DNA position 2178, C replaced by A.
Protein change: p.Pro726=; no amino-acid change (proline 726 retained).
Molecular consequence: synonymous variant. On other transcripts: non-coding transcript variant (3).
Genome position (GRCh38, 1-based): chr2:214,728,832, G>T on the plus strand (C>A on the coding strand, the complement: BARD1 is on the minus strand). VCF-style: chr2-214728832-G-T. GRCh37 (hg19) VCF-style: chr2-215593556-G-T.
Other names: c.2178C>A (NM_000465.3); c.2121C>A, p.Pro707= (NM_001282543.2); c.825C>A, p.Pro275= (NM_001282545.2); c.768C>A, p.Pro256= (NM_001282548.2); c.639C>A, p.Pro213= (NM_001282549.2).
Identifiers: ClinVar variation 1787207 (VCV001787207.9), dbSNP rs201873551, ClinGen allele CA431392648.